The following is an entry in ClinVar:

NM_000261.2(MYOC):c.1395C>G (p.Ile465Met)

Gene: MYOC (myocilin; minus strand). Cytogenetic location: 1q24.3.
Variant type: single nucleotide variant.
Coding change: c.1395C>G on transcript NM_000261.2 (MANE Select); coding-DNA position 1395, C replaced by G.
Protein change: p.Ile465Met; replaces isoleucine 465 with methionine.
Molecular consequence: missense variant.
Genome position (GRCh38, 1-based): chr1:171,636,045, G>C on the plus strand (C>G on the coding strand, the complement: MYOC is on the minus strand). VCF-style: chr1-171636045-G-C. GRCh37 (hg19) VCF-style: chr1-171605185-G-C.
Other names: NM_000261.2:c.1395C>G; short protein forms I465M.
Identifiers: ClinVar variation 2570620 (VCV002570620.2), dbSNP rs1400370105, ClinGen allele CA343723421.

ClinVar aggregate classification (germline): Uncertain significance (3 of 4 stars; one submission).

Conditions:
Open-angle glaucoma. Identifiers: MedGen C0017612, MONDO:0005338, HP:0012108.

Submission:

ClinGen Glaucoma Variant Curation Expert Panel
Classification: Uncertain significance for Open-angle glaucoma. Last evaluated: 2026-02-04. Review status: reviewed by expert panel. Criteria: ClinGen Glaucoma ACMG Specifications V2.0.0 Approved. Collection method: curation. Allele origin: germline. Inheritance: Autosomal dominant inheritance.
Comment: The c.1395C>G variant in MYOC is a missense variant predicted to cause substitution of Isoleucine by Methionine at amino acid 465 (p.Ile465Met). This variant was not found in any genetic ancestry group of gnomAD (v4.1.0), meeting the ≤ 0.0001 threshold set for PM2_Supporting in a genetic ancestry group of at least 10,000 alleles. The REVEL score = 0.723, which was within the 0.644-0.772 range for PP3, predicting a damaging effect on MYOC function. There was no functional evidence predicting a damaging or benign impact of this variant on MYOC function. Only 1 proband with primary open angle glaucoma had been reported (PMID: 10196380), not meeting the ≥ 2 probands threshold required to meet PS4_Supporting. In summary, this variant met the criteria to receive a score of 2 and to be classified as a variant of uncertain significance (uncertain significance classification range -1 to 5, adapted from PMID: 32720330) for primary open angle glaucoma based on the ACMG/AMP criteria met, as specified by the ClinGen Glaucoma VCEP (v2.0.0, 5 Dec 2024): PP3, PM2_Supporting